The following is an entry in ClinVar:

ClinVar aggregate classification (germline): Uncertain significance (1 of 4 stars; one submission).

Conditions:
FAT1-related disorder. Also called: FAT1-related condition.

Submission:

PreventionGenetics, part of Exact Sciences
Classification: Uncertain significance for FAT1-related condition. Last evaluated: 2026-05-23. Review status: criteria provided, single submitter. Criteria: ACMG Guidelines, 2015. Collection method: clinical testing. Allele origin: germline.
Comment: The FAT1 c.2419C>G variant is predicted to result in the amino acid substitution p.Leu807Val. To our knowledge, this variant has not been reported in the literature or in a large population database (gnomAD), indicating this variant is rare. At this time, the clinical significance of this variant is uncertain due to the absence of conclusive functional and genetic evidence.

NM_005245.4(FAT1):c.2419C>G (p.Leu807Val)

Gene: FAT1 (FAT atypical cadherin 1; minus strand). Cytogenetic location: 4q35.2.
Variant type: single nucleotide variant.
Coding change: c.2419C>G on transcript NM_005245.4 (MANE Select); coding-DNA position 2419, C replaced by G.
Protein change: p.Leu807Val; replaces leucine 807 with valine.
Molecular consequence: missense variant.
Genome position (GRCh38, 1-based): chr4:186,707,409, G>C on the plus strand (C>G on the coding strand, the complement: FAT1 is on the minus strand). VCF-style: chr4-186707409-G-C. GRCh37 (hg19) VCF-style: chr4-187628563-G-C.
Other names: c.2419C>G, p.Leu807Val (NM_001440455.1, NM_001440456.1, NM_001440457.1); short protein forms L807V.
Identifiers: ClinVar variation 4991342 (VCV004991342.1).
Genomic context (GRCh38, chr4:186,707,409, plus strand): 5'-AGCTCTCCTGTAAAAACTCGGGTGGATTATCATTGGCATCGACAACCACGACATGTAGAA[G>C]ACGCCACGCAGCCTTCTGGGGTATCCCAAGGTCATAGACGGTAATATTCAGGGTGTATTT-3'
Protein context (NP_005236.2, residues 797-817): LGIPQKAAWR[Leu807Val]LHVVVVDAND